The following is an entry in ClinVar:

ClinVar aggregate classification (germline): Uncertain significance (1 of 4 stars; one submission).

Submission:

Greenwood Genetic Center Diagnostic Laboratories, Greenwood Genetic Center
Classification: Uncertain significance. Last evaluated: 2024-01-29. Review status: criteria provided, single submitter. Criteria: ACMG Guidelines, 2015. Collection method: clinical testing. Allele origin: germline. Affected: yes.
Comment: PM2, BP4, PP2

NM_001042424.3(NSD2):c.450T>A (p.Asp150Glu)

Gene: NSD2 (nuclear receptor binding SET domain protein 2; plus strand). Cytogenetic location: 4p16.3.
Variant type: single nucleotide variant.
Coding change: c.450T>A on transcript NM_001042424.3 (MANE Select); coding-DNA position 450, T replaced by A.
Protein change: p.Asp150Glu; replaces aspartic acid 150 with glutamic acid.
Molecular consequence: missense variant.
Genome position (GRCh38, 1-based): chr4:1,901,104, T>A. VCF-style: chr4-1901104-T-A. GRCh37 (hg19) VCF-style: chr4-1902831-T-A.
Other names: c.450T>A, p.Asp150Glu (NM_007331.2, NM_133330.3, NM_133331.3 and 2 more transcripts); short protein forms D150E.
Identifiers: ClinVar variation 3235862 (VCV003235862.1), dbSNP rs2474220830, ClinGen allele CA355992814.